The following is an entry in ClinVar:

ClinVar aggregate classification (germline): Uncertain significance (1 of 4 stars; one submission).

Submission:

Labcorp Genetics (formerly Invitae), Labcorp
Classification: Uncertain significance. Last evaluated: 2022-08-08. Review status: criteria provided, single submitter. Criteria: Invitae Variant Classification Sherloc (09022015). Collection method: clinical testing. Allele origin: germline.
Comment: Advanced modeling of protein sequence and biophysical properties (such as structural, functional, and spatial information, amino acid conservation, physicochemical variation, residue mobility, and thermodynamic stability) performed at Invitae indicates that this missense variant is expected to disrupt KMT2A protein function. In summary, the available evidence is currently insufficient to determine the role of this variant in disease. Therefore, it has been classified as a Variant of Uncertain Significance. This variant has not been reported in the literature in individuals affected with KMT2A-related conditions. This variant is not present in population databases (gnomAD no frequency). This sequence change replaces isoleucine, which is neutral and non-polar, with leucine, which is neutral and non-polar, at codon 1037 of the KMT2A protein (p.Ile1037Leu).

NM_001197104.2(KMT2A):c.3109A>C (p.Ile1037Leu)

Gene: KMT2A (lysine methyltransferase 2A; plus strand). Cytogenetic location: 11q23.3.
Variant type: single nucleotide variant.
Coding change: c.3109A>C on transcript NM_001197104.2 (MANE Select); coding-DNA position 3109, A replaced by C.
Protein change: p.Ile1037Leu; replaces isoleucine 1037 with leucine.
Molecular consequence: missense variant.
Genome position (GRCh38, 1-based): chr11:118,474,268, A>C. VCF-style: chr11-118474268-A-C. GRCh37 (hg19) VCF-style: chr11-118344983-A-C.
Other names: c.3208A>C, p.Ile1070Leu (NM_001412597.1); c.3109A>C, p.Ile1037Leu (NM_005933.4); short protein forms I1070L, I1037L.
Identifiers: ClinVar variation 2109707 (VCV002109707.4), dbSNP rs997863523, ClinGen allele CA229522250.
Genomic context (GRCh38, chr11:118,474,268, plus strand): 5'-CCAATGACTGACAAGAGGGTTGCCAGCCTCCTAAAAAAGGCCAAAGCTCAGCTCTGCAAG[A>C]TTGAGAAGAGTAAGAGTCTTAAACAAACCGACCAGCCCAAAGCACAGGTACTCTTTTCCA-3'
Protein context (NP_001184033.1, residues 1027-1047): LKKAKAQLCK[Ile1037Leu]EKSKSLKQTD